The following is an entry in ClinVar:

ClinVar aggregate classification (germline): Uncertain significance (1 of 4 stars; one submission).

Conditions:
Hereditary cancer-predisposing syndrome. Also called: Neoplastic Syndromes, Hereditary; Tumor predisposition; Hereditary neoplastic syndrome; Hereditary Cancer Syndrome. Identifiers: Orphanet 140162, MedGen C0027672, MeSH D009386, MONDO:0015356.

Submission:

Ambry Genetics
Classification: Uncertain significance for Hereditary cancer-predisposing syndrome. Last evaluated: 2026-06-16. Review status: criteria provided, single submitter. Criteria: Ambry Variant Classification Scheme 2023. Collection method: clinical testing. Allele origin: germline.
Comment: The p.E948K variant (also known as c.2842G>A), located in coding exon 4 of the MSH6 gene, results from a G to A substitution at nucleotide position 2842. The glutamic acid at codon 948 is replaced by lysine, an amino acid with similar properties. This amino acid position is conserved. In addition, this alteration is predicted to be deleterious by in silico analysis. Based on the available evidence, the clinical significance of this variant remains unclear.

NM_000179.3(MSH6):c.2842G>A (p.Glu948Lys)

Gene: MSH6 (mutS homolog 6; plus strand). Cytogenetic location: 2p16.3.
Variant type: single nucleotide variant.
Coding change: c.2842G>A on transcript NM_000179.3 (MANE Select); coding-DNA position 2842, G replaced by A.
Protein change: p.Glu948Lys; replaces glutamic acid 948 with lysine.
Molecular consequence: missense variant. On other transcripts: non-coding transcript variant (5), intron variant (2).
Genome position (GRCh38, 1-based): chr2:47,800,825, G>A. VCF-style: chr2-47800825-G-A. GRCh37 (hg19) VCF-style: chr2-48027964-G-A.
Other names: c.2545G>A, p.Glu849Lys (NM_001406819.1, NM_001406820.1, NM_001406821.1 and 10 more transcripts); c.1936G>A, p.Glu646Lys (NM_001406823.1, NM_001281493.2, NM_001281494.2 and 6 more transcripts); c.2674G>A, p.Glu892Lys (NM_001406826.1); c.2452G>A, p.Glu818Lys (NM_001281492.2); c.2938G>A, p.Glu980Lys (NM_001406795.1, NM_001406802.1); c.2842G>A, p.Glu948Lys (NM_001406796.1, NM_001406798.1, NM_001406800.1 and 2 more transcripts); c.2317G>A, p.Glu773Lys (NM_001406799.1, NM_001406806.1, NM_001406807.1); c.2764G>A, p.Glu922Lys (NM_001406804.1); and 4 more; short protein forms E263K, E773K, E818K, E922K, E950K, E646K, E892K, E948K.
Identifiers: ClinVar variation 5024862 (VCV005024862.1).